The following is an entry in ClinVar:

NM_018646.6(TRPV6):c.1646A>G (p.Tyr549Cys)

Gene: TRPV6 (transient receptor potential cation channel subfamily V member 6; minus strand). Cytogenetic location: 7q34.
Variant type: single nucleotide variant.
Coding change: c.1646A>G on transcript NM_018646.6 (MANE Select); coding-DNA position 1646, A replaced by G.
Protein change: p.Tyr549Cys; replaces tyrosine 549 with cysteine.
Molecular consequence: missense variant.
Genome position (GRCh38, 1-based): chr7:142,873,710, T>C on the plus strand (A>G on the coding strand, the complement: TRPV6 is on the minus strand). VCF-style: chr7-142873710-T-C. GRCh37 (hg19) VCF-style: chr7-142571463-T-C.
Other names: short protein forms Y549C.
Identifiers: ClinVar variation 932914 (VCV000932914.2), dbSNP rs750624044, ClinGen allele CA4532434.

ClinVar aggregate classification (germline): Conflicting classifications of pathogenicity. Review status: criteria provided, conflicting classifications (1 of 4 stars). 2 submissions from 2 submitters: Likely pathogenic (1); Uncertain significance (1). Last evaluated 2022-08-18.

Conditions:
Hyperparathyroidism, transient neonatal. Identifiers: MedGen C1300287, MONDO:0032591, OMIM 618188.

Allele frequency attached by ClinVar (database versions not stated): gnomAD exomes 0.00006; ExAC 0.00008.
gnomAD v4.1: 45 of 1,613,800 alleles (0.0028%); highest among the groups gnomAD compares: South Asian, 0.045%; 1 homozygote.

Submissions (2):

Blueprint Genetics
Classification: Uncertain significance. Last evaluated: 2022-08-18. Review status: criteria provided, single submitter. Criteria: ACMG Guidelines, 2015. Collection method: clinical testing. Allele origin: germline.

Johns Hopkins Genomics, Johns Hopkins University
Classification: Likely pathogenic for Hyperparathyroidism, transient neonatal. Last evaluated: 2020-01-13. Review status: criteria provided, single submitter. Criteria: ACMG Guidelines, 2015. Collection method: clinical testing. Allele origin: germline.
Comment: This TRPV6 variant (rs750624044) is rare (<0.1%) in large population datasets (gnomAD: 16/251066 total alleles; 0.005975%; 1 homozygote) and has not been reported in the literature to our knowledge. Two of three bioinformatic tools queried predict that this substitution would be probably damaging, and the tyrosine residue at this position is evolutionarily conserved across most species assessed. Tyr509 is located in the S5 transmembrane helix of TRPV6. The structures of rat and human TRPV6 show close association of helices S4 and S5 at the TRPV6 subunit interface. Additionally, the position of Tyr509 supports binding of phospholipids at this interface. Experimental evidence suggests that mutation of residues in S5 could affect dynamic conformational changes in TRPV6 that are required for pore permeability. A crystal construct of rat TRPV6 containing a mutation in the S5 helix (L495Q) results in altered connectivity between the S4 and S5 helices and reduced calcium entry despite preserved TRPV assembly. We consider this variant to be likely pathogenic.

Literature cited by the submitters: PubMed 27296226 (cited by Johns Hopkins Genomics, Johns Hopkins University); PubMed 29258289 (cited by Johns Hopkins Genomics, Johns Hopkins University); PubMed 28878326 (cited by Johns Hopkins Genomics, Johns Hopkins University).